The following is an entry in ClinVar:

NC_000006.11:g.(?_129712616)_(129712818_?)del

Gene: LAMA2 (laminin subunit alpha 2; plus strand). Cytogenetic location: 6q22.33.
Variant type: Deletion.
Identifiers: ClinVar variation 1075510 (VCV001075510.2).

ClinVar aggregate classification (germline): Pathogenic (1 of 4 stars; one submission).

Conditions:
LAMA2-related muscular dystrophy (LAMA2-RD). Also called: Laminin alpha 2-related dystrophy. Identifiers: MedGen C5679788, MONDO:0100228.

Submission:

Labcorp Genetics (formerly Invitae), Labcorp
Classification: Pathogenic for LAMA2-related muscular dystrophy. Last evaluated: 2020-02-10. Review status: criteria provided, single submitter. Criteria: Invitae Variant Classification Sherloc (09022015). Collection method: clinical testing. Allele origin: germline.
Comment: This variant is a deletion of the genomic region encompassing part of exon 36 (c.5072-1454_5154delinsAGATTGCC) of the LAMA2 gene. It is expected to disrupt RNA splicing and likely results in an absent or disrupted protein product. This variant has been observed¬†to be homozygous or in combination with another LAMA2 variant in¬†individuals affected with congenital muscular dystrophy (PMID:¬†30055037, Invitae). Loss-of-function variants in LAMA2 are known to be pathogenic (PMID: 18700894). For these reasons, this variant has been classified as Pathogenic.

Literature cited by the submitters: PubMed 18700894.